The following is an entry in ClinVar:

ClinVar aggregate classification (germline): Uncertain significance. Review status: criteria provided, multiple submitters, no conflicts (2 of 4 stars). 4 submissions from 4 submitters: Uncertain significance (4). Last evaluated 2026-07-06.

Conditions:
Hereditary cancer-predisposing syndrome. Also called: Tumor predisposition; Hereditary Cancer Syndrome; Hereditary neoplastic syndrome; Neoplastic Syndromes, Hereditary. Identifiers: Orphanet 140162, MedGen C0027672, MeSH D009386, MONDO:0015356.
Tuberous sclerosis 2 (TSC2). Identifiers: Orphanet 805, MedGen C1860707, MONDO:0013199, OMIM 613254.
Lymphangiomyomatosis (LAM). Also called: Lymphangioleiomyomatosis; Lymphangioleiomyomatosis, somatic. Identifiers: Orphanet 538, MedGen C0751674, MONDO:0011705, OMIM 606690.
Isolated focal cortical dysplasia type II (FCORD2). Also called: Focal cortical dysplasia type II; CORTICAL DYSPLASIA OF TAYLOR. Identifiers: Orphanet 268994, MedGen C1846385, MONDO:0011818, OMIM 607341, HP:0032051.

Submissions (4):

Ambry Genetics
Classification: Uncertain significance for Hereditary cancer-predisposing syndrome. Last evaluated: 2026-07-06. Review status: criteria provided, single submitter. Criteria: Ambry Variant Classification Scheme 2023. Collection method: clinical testing. Allele origin: germline.
Comment: The p.I871T variant (also known as c.2612T>C), located in coding exon 22 of the TSC2 gene, results from a T to C substitution at nucleotide position 2612. The isoleucine at codon 871 is replaced by threonine, an amino acid with similar properties. This amino acid position is highly conserved in available vertebrate species. In addition, this alteration is predicted to be deleterious by in silico analysis. Based on the available evidence, the clinical significance of this variant remains unclear.

GeneDx
Classification: Uncertain significance. Last evaluated: 2026-02-27. Review status: criteria provided, single submitter. Criteria: GeneDx Variant Classification Process June 2021. Collection method: clinical testing. Allele origin: germline.
Comment: Not observed at significant frequency in large population cohorts (gnomAD); In silico analysis supports that this missense variant has a deleterious effect on protein structure/function; Has not been previously published as pathogenic or benign to our knowledge

Labcorp Genetics (formerly Invitae), Labcorp
Classification: Uncertain significance for Tuberous sclerosis 2. Last evaluated: 2025-05-30. Review status: criteria provided, single submitter. Criteria: Invitae Variant Classification Sherloc (09022015). Collection method: clinical testing. Allele origin: germline.
Comment: This sequence change replaces isoleucine, which is neutral and non-polar, with threonine, which is neutral and polar, at codon 871 of the TSC2 protein (p.Ile871Thr). This variant is not present in population databases (gnomAD no frequency). This variant has not been reported in the literature in individuals affected with TSC2-related conditions. ClinVar contains an entry for this variant (Variation ID: 1025382). Invitae Evidence Modeling of protein sequence and biophysical properties (such as structural, functional, and spatial information, amino acid conservation, physicochemical variation, residue mobility, and thermodynamic stability) indicates that this missense variant is not expected to disrupt TSC2 protein function with a negative predictive value of 95%. In summary, the available evidence is currently insufficient to determine the role of this variant in disease. Therefore, it has been classified as a Variant of Uncertain Significance.

Fulgent Genetics
Classification: Uncertain significance for Lymphangiomyomatosis; Isolated focal cortical dysplasia type II; Tuberous sclerosis 2. Last evaluated: 2021-08-16. Review status: criteria provided, single submitter. Criteria: ACMG Guidelines, 2015. Collection method: clinical testing. Allele origin: unknown.

NM_000548.5(TSC2):c.2612T>C (p.Ile871Thr)

Gene: TSC2 (TSC complex subunit 2; plus strand). Cytogenetic location: 16p13.3.
Variant type: single nucleotide variant.
Coding change: c.2612T>C on transcript NM_000548.5 (MANE Select); coding-DNA position 2612, T replaced by C.
Protein change: p.Ile871Thr; replaces isoleucine 871 with threonine.
Molecular consequence: missense variant.
Genome position (GRCh38, 1-based): chr16:2,075,865, T>C. VCF-style: chr16-2075865-T-C. GRCh37 (hg19) VCF-style: chr16-2125866-T-C.
Other names: c.2612T>C, p.Ile871Thr (NM_001077183.3, NM_001114382.3, NM_001363528.2 and 3 more transcripts); c.2501T>C, p.Ile834Thr (NM_001318827.2); c.2465T>C, p.Ile822Thr (NM_001318829.2); c.2012T>C, p.Ile671Thr (NM_001318831.2); c.2645T>C, p.Ile882Thr (NM_001318832.2); c.2612T>C (NM_000548.3); short protein forms I671T, I822T, I834T, I871T, I882T.
Identifiers: ClinVar variation 1025382 (VCV001025382.13), dbSNP rs2089269466, ClinGen allele CA394278435.